The following is an entry in ClinVar:

ClinVar aggregate classification (germline): Likely benign (1 of 4 stars; one submission).

Allele frequency attached by ClinVar (database versions not stated): ExAC 0.00003; gnomAD exomes 0.00006; gnomAD 0.00007; ESP Exome Variant Server 0.00008.
gnomAD v4.1: 103 of 1,613,852 alleles (0.0064%); highest among the groups gnomAD compares: Non-Finnish European, 0.008%; no homozygotes.

Submission:

CeGaT Center for Human Genetics Tuebingen
Classification: Likely benign. Last evaluated: 2022-11-01. Review status: criteria provided, single submitter. Criteria: CeGaT Center For Human Genetics Tuebingen Variant Classification Criteria Version 2. Collection method: clinical testing. Allele origin: germline. Affected: yes. Observed: 1 variant allele.
Comment: EPRS1: BP4, BP7

NM_004446.3(EPRS1):c.3279T>C (p.His1093=)

Gene: EPRS1 (glutamyl-prolyl-tRNA synthetase 1; minus strand). Cytogenetic location: 1q41.
Variant type: single nucleotide variant.
Coding change: c.3279T>C on transcript NM_004446.3 (MANE Select); coding-DNA position 3279, T replaced by C.
Protein change: p.His1093=; no amino-acid change (histidine 1093 retained).
Molecular consequence: synonymous variant.
Genome position (GRCh38, 1-based): chr1:219,983,210, A>G on the plus strand (T>C on the coding strand, the complement: EPRS1 is on the minus strand). VCF-style: chr1-219983210-A-G. GRCh37 (hg19) VCF-style: chr1-220156552-A-G.
Identifiers: ClinVar variation 1879110 (VCV001879110.29), dbSNP rs376566925, ClinGen allele CA1399745.